The following is an entry in ClinVar:

NM_022566.3(TLNRD1):c.616C>A (p.Arg206=)

Gene: TLNRD1 (talin rod domain containing 1; plus strand). Cytogenetic location: 15q25.1.
Variant type: single nucleotide variant.
Coding change: c.616C>A on transcript NM_022566.3 (MANE Select); coding-DNA position 616, C replaced by A.
Protein change: p.Arg206=; no amino-acid change (arginine 206 retained).
Molecular consequence: synonymous variant.
Genome position (GRCh38, 1-based): chr15:81,002,887, C>A. VCF-style: chr15-81002887-C-A. GRCh37 (hg19) VCF-style: chr15-81295228-C-A.
Identifiers: ClinVar variation 2645632 (VCV002645632.24), dbSNP rs138274571, ClinGen allele CA7694204.
Genomic context (GRCh38, chr15:81,002,887, plus strand): 5'-GGCCTGTCGCGCAACCTCAAGTTCCTGACGGACGCGTGCGCCCTGGCCAGTGACAAGTCA[C>A]GGGACCGCTTTTCGCGGGAGCAGTTCAAGCTGGGCGTCAAGTGCATGAGCACCAGCGCGT-3'
Protein context (NP_072088.1, residues 196-216): DACALASDKS[Arg206=]DRFSREQFKL

ClinVar aggregate classification (germline): Likely benign (1 of 4 stars; one submission).

Allele frequency attached by ClinVar (database versions not stated): ESP Exome Variant Server 0.00169; 1000 Genomes Project 0.00280; 1000 Genomes Project 30x 0.00281.
gnomAD v4.1: 415 of 1,597,234 alleles (0.026%); highest among the groups gnomAD compares: African/African-American, 0.47%; 3 homozygotes.

Submission:

CeGaT Center for Human Genetics Tuebingen
Classification: Likely benign. Last evaluated: 2023-02-01. Review status: criteria provided, single submitter. Criteria: CeGaT Center For Human Genetics Tuebingen Variant Classification Criteria Version 2. Collection method: clinical testing. Allele origin: germline. Affected: yes. Observed: 1 variant allele.
Comment: TLNRD1: BP4, BP7, BS2